The following is an entry in ClinVar:

ClinVar aggregate classification (germline): Benign/Likely benign. Review status: criteria provided, multiple submitters, no conflicts (2 of 4 stars). 4 submissions from 4 submitters: Benign (2); Likely benign (2). Last evaluated 2026-08-21.

Conditions:
DNAH1-related disorder. Also called: DNAH1-related condition.
Spermatogenic failure 18. Identifiers: MedGen C4539783, MONDO:0054615, OMIM 617576.
Ciliary dyskinesia, primary, 37 (CILD37). Also called: CILIARY DYSKINESIA, PRIMARY, 37, WITH OR WITHOUT SITUS INVERSUS. Identifiers: MedGen C4539798, MONDO:0033204, OMIM 617577.

Allele frequency attached by ClinVar (database versions not stated): gnomAD 0.00108 and 0.00097; ESP Exome Variant Server 0.00113; gnomAD exomes 0.00018; 1000 Genomes Project 0.00020; 1000 Genomes Project 30x 0.00031; ExAC 0.00044; TOPMed 0.00107.
gnomAD v4.1: 261 of 1,606,050 alleles (0.016%); highest among the groups gnomAD compares: African/African-American, 0.31%; 1 homozygote.

Submissions (4):

PreventionGenetics, part of Exact Sciences
Classification: Likely benign for DNAH1-related condition. Last evaluated: 2026-08-21. Review status: criteria provided, single submitter. Criteria: ACMG Guidelines, 2015. Collection method: clinical testing. Allele origin: germline.
Comment: This variant is classified as likely benign based on ACMG/AMP sequence variant interpretation guidelines (Richards et al. 2015 PMID: 25741868, with internal and published modifications).

Labcorp Genetics (formerly Invitae), Labcorp
Classification: Benign for Ciliary dyskinesia, primary, 37; Spermatogenic failure 18. Last evaluated: 2025-11-03. Review status: criteria provided, single submitter. Criteria: Invitae Variant Classification Sherloc (09022015). Collection method: clinical testing. Allele origin: germline.

Blueprint Genetics
Classification: Likely benign. Last evaluated: 2022-08-31. Review status: criteria provided, single submitter. Criteria: ACMG Guidelines, 2015. Collection method: clinical testing. Allele origin: germline.

Breakthrough Genomics
Classification: Benign. Review status: criteria provided, single submitter. Criteria: ACMG Guidelines, 2015. Collection method: not provided. Allele origin: germline. Inheritance: Autosomal recessive inheritance. Affected: yes.

NM_015512.5(DNAH1):c.1554C>T (p.Ala518=)

Gene: DNAH1 (dynein axonemal heavy chain 1; plus strand). Cytogenetic location: 3p21.1.
Variant type: single nucleotide variant.
Coding change: c.1554C>T on transcript NM_015512.5 (MANE Select); coding-DNA position 1554, C replaced by T.
Protein change: p.Ala518=; no amino-acid change (alanine 518 retained).
Molecular consequence: synonymous variant.
Genome position (GRCh38, 1-based): chr3:52,345,604, C>T. VCF-style: chr3-52345604-C-T. GRCh37 (hg19) VCF-style: chr3-52379620-C-T.
Identifiers: ClinVar variation 544664 (VCV000544664.14), dbSNP rs201113513, ClinGen allele CA2432999.